The following is an entry in ClinVar:

NM_000540.3(RYR1):c.10441-4G>A

Gene: RYR1 (ryanodine receptor 1; plus strand). Cytogenetic location: 19q13.2.
Variant type: single nucleotide variant.
Coding change: c.10441-4G>A on transcript NM_000540.3 (MANE Select); 4 bases into the intron before coding-DNA position 10441, G replaced by A.
Molecular consequence: intron variant.
Genome position (GRCh38, 1-based): chr19:38,523,911, G>A. VCF-style: chr19-38523911-G-A. GRCh37 (hg19) VCF-style: chr19-39014551-G-A.
Other names: c.10440+602G>A (NM_001042723.2).
Identifiers: ClinVar variation 3070575 (VCV003070575.3), dbSNP rs1251102134, ClinGen allele CA882051773.

ClinVar aggregate classification (germline): Likely benign. Review status: criteria provided, multiple submitters, no conflicts (2 of 4 stars). 2 submissions from 2 submitters: Likely benign (2). Last evaluated 2025-01-25.

Conditions:
Malignant hyperthermia, susceptibility to, 1 (MHS1). Also called: Anesthesia related hyperthermia; Malignant hyperpyrexia; Fulminating hyperpyrexia; Pharmacogenic myopathy; RYR1-Related Malignant Hyperthermia Susceptibility; Malignant hyperthermia suceptibility 1. Identifiers: Orphanet 423, MedGen C2930980, MONDO:0007783, OMIM 145600.
RYR1-related disorder. Also called: RYR1-related condition; RYR1-related disorders. Identifiers: MedGen CN239331.

Allele frequency attached by ClinVar (database versions not stated): TOPMed below 0.00001; gnomAD 0.00001.
gnomAD v4.1: 1 of 1,613,858 alleles (0.000062%); highest among the groups gnomAD compares: Non-Finnish European, 0.000085%; no homozygotes.

Submissions (2):

Labcorp Genetics (formerly Invitae), Labcorp
Classification: Likely benign for RYR1-related disorder. Last evaluated: 2025-01-25. Review status: criteria provided, single submitter. Criteria: Invitae Variant Classification Sherloc (09022015). Collection method: clinical testing. Allele origin: germline.

All of Us Research Program, National Institutes of Health
Classification: Likely benign for Malignant hyperthermia, susceptibility to, 1. Last evaluated: 2023-04-28. Review status: criteria provided, single submitter. Criteria: ACMG Guidelines, 2015. Collection method: clinical testing. Allele origin: germline. Inheritance: Autosomal dominant inheritance. Observed: 1 variant allele, 1 heterozygote.
Comment: This study involves interpretation of variants in research participants for the purpose of population health screening. Participant phenotype was not available at the time of variant classification. Additional details can be found in publication PMID: 35346344, PMCID: PMC8962531